The following is an entry in ClinVar:

NM_000264.5(PTCH1):c.425A>T (p.Tyr142Phe)

Gene: PTCH1 (patched 1; minus strand). Cytogenetic location: 9q22.32.
Variant type: single nucleotide variant.
Coding change: c.425A>T on transcript NM_000264.5 (MANE Select); coding-DNA position 425, A replaced by T.
Protein change: p.Tyr142Phe; replaces tyrosine 142 with phenylalanine.
Molecular consequence: missense variant. On other transcripts: 5 prime UTR variant (4), non-coding transcript variant (1).
Genome position (GRCh38, 1-based): chr9:95,485,844, T>A on the plus strand (A>T on the coding strand, the complement: PTCH1 is on the minus strand). VCF-style: chr9-95485844-T-A. GRCh37 (hg19) VCF-style: chr9-98248126-T-A.
Other names: c.227A>T, p.Tyr76Phe (NM_001083602.3, NM_001354919.2); c.422A>T, p.Tyr141Phe (NM_001083603.3); c.-29A>T (NM_001083604.3, NM_001083605.3, NM_001083606.3 and 1 more transcripts); c.425A>T, p.Tyr142Phe (NM_001354918.2); short protein forms Y142F, Y76F, Y141F.
Identifiers: ClinVar variation 3719951 (VCV003719951.2).

ClinVar aggregate classification (germline): Uncertain significance (1 of 4 stars; one submission).

Conditions:
Gorlin syndrome. Also called: Basal cell nevus syndrome; Nevoid Basal Cell Carcinoma Syndrome. Identifiers: Orphanet 377, MedGen C0004779, MONDO:0007187.

Submission:

Labcorp Genetics (formerly Invitae), Labcorp
Classification: Uncertain significance for Gorlin syndrome. Last evaluated: 2024-03-04. Review status: criteria provided, single submitter. Criteria: Invitae Variant Classification Sherloc (09022015). Collection method: clinical testing. Allele origin: germline.
Comment: This sequence change replaces tyrosine, which is neutral and polar, with phenylalanine, which is neutral and non-polar, at codon 142 of the PTCH1 protein (p.Tyr142Phe). This variant is not present in population databases (gnomAD no frequency). This variant has not been reported in the literature in individuals affected with PTCH1-related conditions. Advanced modeling of protein sequence and biophysical properties (such as structural, functional, and spatial information, amino acid conservation, physicochemical variation, residue mobility, and thermodynamic stability) performed at Invitae indicates that this missense variant is not expected to disrupt PTCH1 protein function with a negative predictive value of 95%. In summary, the available evidence is currently insufficient to determine the role of this variant in disease. Therefore, it has been classified as a Variant of Uncertain Significance.